The following is an entry in ClinVar:

NM_020433.5(JPH2):c.2085G>T (p.Leu695=)

Gene: JPH2 (junctophilin 2; minus strand). Cytogenetic location: 20q13.12.
Variant type: single nucleotide variant.
Coding change: c.2085G>T on transcript NM_020433.5 (MANE Select); coding-DNA position 2085, G replaced by T.
Protein change: p.Leu695=; no amino-acid change (leucine 695 retained).
Molecular consequence: synonymous variant.
Genome position (GRCh38, 1-based): chr20:44,114,802, C>A on the plus strand (G>T on the coding strand, the complement: JPH2 is on the minus strand). VCF-style: chr20-44114802-C-A. GRCh37 (hg19) VCF-style: chr20-42743442-C-A.
Other names: p.Leu695=.
Identifiers: ClinVar variation 3012559 (VCV003012559.4), dbSNP rs766895066, ClinGen allele CA9868509.

ClinVar aggregate classification (germline): Likely benign. Review status: criteria provided, multiple submitters, no conflicts (2 of 4 stars). 2 submissions from 2 submitters: Likely benign (2). Last evaluated 2025-10-30.

Conditions:
Hypertrophic cardiomyopathy. Also called: HYPERTROPHIC MYOCARDIOPATHY. Identifiers: Orphanet 217569, MedGen C0007194, MeSH D002312, MONDO:0005045, HP:0001639.

Allele frequency attached by ClinVar (database versions not stated): ExAC 0.00002; gnomAD exomes 0.00002.
gnomAD v4.1: 11 of 1,604,390 alleles (0.00069%); highest among the groups gnomAD compares: East Asian, 0.025%; no homozygotes.

Submissions (2):

Mayo Clinic Laboratories, Mayo Clinic
Classification: Likely benign. Last evaluated: 2025-10-30. Review status: criteria provided, single submitter. Criteria: ACMG Guidelines, 2015. Collection method: clinical testing. Allele origin: germline. Observed: 1 variant allele.
Comment: BP4, BP7

Labcorp Genetics (formerly Invitae), Labcorp
Classification: Likely benign for Hypertrophic cardiomyopathy. Last evaluated: 2024-09-01. Review status: criteria provided, single submitter. Criteria: Invitae Variant Classification Sherloc (09022015). Collection method: clinical testing. Allele origin: germline.